The following is an entry in ClinVar:

ClinVar aggregate classification (germline): Uncertain significance (1 of 4 stars; one submission).

Submission:

Ambry Genetics
Classification: Uncertain significance. Last evaluated: 2024-07-28. Review status: criteria provided, single submitter. Criteria: Ambry Variant Classification Scheme 2023. Collection method: clinical testing. Allele origin: germline.
Comment: The p.S1095C variant (also known as c.3284C>G), located in coding exon 2 of the MLH3 gene, results from a C to G substitution at nucleotide position 3284. The serine at codon 1095 is replaced by cysteine, an amino acid with dissimilar properties. This amino acid position is conserved. In addition, this alteration is predicted to be tolerated by in silico analysis. Based on the available evidence, the clinical significance of this variant remains unclear.

NM_001040108.2(MLH3):c.3284C>G (p.Ser1095Cys)

Gene: MLH3 (mutL homolog 3; minus strand). Cytogenetic location: 14q24.3.
Variant type: single nucleotide variant.
Coding change: c.3284C>G on transcript NM_001040108.2 (MANE Select); coding-DNA position 3284, C replaced by G.
Protein change: p.Ser1095Cys; replaces serine 1095 with cysteine.
Molecular consequence: missense variant.
Genome position (GRCh38, 1-based): chr14:75,042,474, G>C on the plus strand (C>G on the coding strand, the complement: MLH3 is on the minus strand). VCF-style: chr14-75042474-G-C. GRCh37 (hg19) VCF-style: chr14-75509177-G-C.
Other names: c.3284C>G, p.Ser1095Cys (NM_014381.3); short protein forms S1095C.
Identifiers: ClinVar variation 3396672 (VCV003396672.1).